The following is an entry in ClinVar:

NM_020435.4(GJC2):c.523G>T (p.Glu175Ter)

Gene: GJC2 (gap junction protein gamma 2; plus strand). Cytogenetic location: 1q42.13.
Variant type: single nucleotide variant.
Coding change: c.523G>T on transcript NM_020435.4 (MANE Select); coding-DNA position 523, G replaced by T.
Protein change: p.Glu175Ter; replaces glutamic acid 175 with a stop codon.
Molecular consequence: nonsense.
Genome position (GRCh38, 1-based): chr1:228,158,281, G>T. VCF-style: chr1-228158281-G-T. GRCh37 (hg19) VCF-style: chr1-228345982-G-T.
Other names: short protein forms E175*.
Identifiers: ClinVar variation 3896190 (VCV003896190.2).

ClinVar aggregate classification (germline): Pathogenic (1 of 4 stars; one submission).

Conditions:
Leukodystrophy, hypomyelinating, 2. Also called: PELIZAEUS-MERZBACHER-LIKE DISEASE, 1. Identifiers: Orphanet 280270, Orphanet 280282, MedGen C1837355, MONDO:0012125, OMIM 608804.

gnomAD v4.1: 1 of 1,530,490 alleles (0.000065%); highest among the groups gnomAD compares: Non-Finnish European, 0.000088%; no homozygotes.

Submission:

Women's Health and Genetics/Laboratory Corporation of America, LabCorp
Classification: Pathogenic for Leukodystrophy, hypomyelinating, 2. Last evaluated: 2025-04-17. Review status: criteria provided, single submitter. Criteria: LabCorp Variant Classification Summary - May 2015. Collection method: clinical testing. Allele origin: germline.
Comment: Variant summary: GJC2 c.523G>T (p.Glu175X) results in a premature termination codon, in the last exon, therefore it is not expected to cause nonsense mediated decay (NMD), but is predicted to disrupt the last 264 amino acids of the GJC2 protein. The variant was absent in 133006 control chromosomes (gnomAD). To our knowledge, no occurrence of c.523G>T in individuals affected with Hypomyelinating Leukodystrophy 2 and no experimental evidence demonstrating its impact on protein function have been reported. However, this variant disrupts a region of the GJC2 protein in which at least one variant (c.857T>C, p.M286T) has been determined to be pathogenic (PMID: 15192806 , 21750683, 22832166, 23544880). No submitters have cited clinical-significance assessments for this variant to ClinVar. Based on the evidence outlined above, the variant was classified as pathogenic.